The following is an entry in ClinVar:

ClinVar aggregate classification (germline): Uncertain significance. Review status: criteria provided, multiple submitters, no conflicts (2 of 4 stars). 2 submissions from 2 submitters: Uncertain significance (2). Last evaluated 2026-08-07.

Conditions:
Blepharocheilodontic syndrome 1 (BCDS1). Identifiers: Orphanet 1997, MedGen C4551988, MONDO:0054740, OMIM 119580.

Submissions (2):

Kasturba Medical College, Manipal, Kasturba Medical College, Manipal, Manipal Academy of Higher Education, Manipal, India
Classification: Uncertain significance for Blepharocheilodontic syndrome 1. Last evaluated: 2026-08-07. Review status: criteria provided, single submitter. Criteria: ACMG Guidelines, 2015. Collection method: research. Allele origin: paternal. Inheritance: Autosomal dominant inheritance. Affected: yes. Observed: 1 variant allele, 1 heterozygote.
Comment: The variant c.1320G>A is not observed in gnomAD (v4.0) population database and in our in-house data of 4376 exomes.

Victorian Clinical Genetics Services, Murdoch Childrens Research Institute
Classification: Uncertain significance for Blepharocheilodontic syndrome 1. Last evaluated: 2022-02-02. Review status: criteria provided, single submitter. Criteria: ACMG Guidelines, 2015. Collection method: clinical testing. Allele origin: germline. Inheritance: Autosomal dominant inheritance. Affected: yes.
Comment: Based on the classification scheme VCGS_Germline_v1.3.4, this variant is classified as VUS-3A. Following criteria are met: 0102 - Loss of function is a known mechanism of disease in this gene and is associated with CDH1-related conditions, including blepharocheilodontic syndrome 1 (MIM#119580). (I) 0107 - This gene is associated with autosomal dominant disease. (I) 0212 - Non-canonical splice site variant without proven consequence on splicing (no functional evidence available). (SP) 0251 - This variant is heterozygous. (I) 0301 - Variant is absent from gnomAD (both v2 and v3). (SP) 0505 - Abnormal splicing is predicted by in silico tools and affected nucleotide is highly conserved. (SP) 0600 - Variant is located in the annotated cadherin domain 3 (DECIPHER, PMID: 28301459). (I) 0705 - No comparable splice variants have previous evidence for pathogenicity. However, a missense variant affecting the same nucleotide position (c.1320G>T, p.(Lys440Asn)) has been observed as de novo in at least one individual with blepharocheilodontic syndrome 1 (MIM#119580) and may affect splicing (PMID: 28301459). There are also pathogenic reports for several other downstream variants in the canonical splice region (ClinVar). (I) 0807 - This variant has no previous evidence of pathogenicity. (I) 0905 - No published segregation evidence has been identified for this variant. (I) 1007 - No published functional evidence has been identified for this variant. (I) 1102 - Strong phenotype match for this individual. (SP) 1208 - Inheritance information for this variant is not currently available in this individual. (I) Legend: (SP) - Supporting pathogenic, (I) - Information, (SB) - Supporting benign

Literature cited by the submitters: PubMed 28301459 (cited by Victorian Clinical Genetics Services, Murdoch Childrens Research Institute).

NM_004360.5(CDH1):c.1320G>A (p.Lys440=)

Gene: CDH1 (cadherin 1; plus strand). Cytogenetic location: 16q22.1.
Variant type: single nucleotide variant.
Coding change: c.1320G>A on transcript NM_004360.5 (MANE Select); coding-DNA position 1320, G replaced by A.
Protein change: p.Lys440=; no amino-acid change (lysine 440 retained).
Molecular consequence: synonymous variant. On other transcripts: 5 prime UTR variant (2), intron variant (1).
Genome position (GRCh38, 1-based): chr16:68,813,495, G>A. VCF-style: chr16-68813495-G-A. GRCh37 (hg19) VCF-style: chr16-68847398-G-A.
Other names: c.-296G>A (NM_001317185.2); c.-500G>A (NM_001317186.2); c.1137+1232G>A (NM_001317184.2).
Identifiers: ClinVar variation 1805257 (VCV001805257.3), dbSNP rs1555515925, ClinGen allele CA496393200.